The following is an entry in ClinVar:

NM_000368.5(TSC1):c.126A>C (p.Val42=)

Gene: TSC1 (TSC complex subunit 1; minus strand). Cytogenetic location: 9q34.13.
Variant type: single nucleotide variant.
Coding change: c.126A>C on transcript NM_000368.5 (MANE Select); coding-DNA position 126, A replaced by C.
Protein change: p.Val42=; no amino-acid change (valine 42 retained).
Molecular consequence: synonymous variant. On other transcripts: intron variant (1).
Genome position (GRCh38, 1-based): chr9:132,927,285, T>G on the plus strand (A>C on the coding strand, the complement: TSC1 is on the minus strand). VCF-style: chr9-132927285-T-G. GRCh37 (hg19) VCF-style: chr9-135802672-T-G.
Other names: c.126A>C, p.Val42= (NM_001162426.2, NM_001162427.2); c.-154+1482A>C (NM_001362177.2).
Identifiers: ClinVar variation 48755 (VCV000048755.25), dbSNP rs118203335, ClinGen allele CA004567.

ClinVar aggregate classification (germline): Benign/Likely benign. Review status: criteria provided, multiple submitters, no conflicts (2 of 4 stars). 13 submissions from 13 submitters: Benign (8); Likely benign (4). 1 of the submissions does not count toward it. Last evaluated 2026-04-08.

Conditions:
TSC1-related disorder. Also called: TSC1-related condition.
Hereditary cancer-predisposing syndrome. Also called: Hereditary Cancer Syndrome; Neoplastic Syndromes, Hereditary; Hereditary neoplastic syndrome; Tumor predisposition. Identifiers: Orphanet 140162, MedGen C0027672, MeSH D009386, MONDO:0015356.
Tuberous sclerosis syndrome (TSC). Also called: Tuberous Sclerosis Complex; Tuberous sclerosis. Identifiers: Orphanet 805, MedGen C0041341, MONDO:0001734.
Tuberous sclerosis 1 (TSC1). Identifiers: Orphanet 805, MedGen C1854465, MONDO:0008612, OMIM 191100.

Allele frequency attached by ClinVar (database versions not stated): gnomAD exomes 0.00001 and 0.00006; gnomAD 0.00002 and 0.00003; TOPMed 0.00004; ExAC 0.00007; 1000 Genomes Project 30x 0.00031; 1000 Genomes Project 0.00040.
gnomAD v4.1: 31 of 1,613,930 alleles (0.0019%); highest among the groups gnomAD compares: East Asian, 0.038%; no homozygotes.

Submissions (13):

PreventionGenetics, part of Exact Sciences
Classification: Likely benign for TSC1-related condition. Last evaluated: 2026-04-08. Review status: criteria provided, single submitter. Criteria: ACMG Guidelines, 2015. Collection method: clinical testing. Allele origin: germline.
Comment: This variant is classified as likely benign based on ACMG/AMP sequence variant interpretation guidelines (Richards et al. 2015 PMID: 25741868, with internal and published modifications).

Labcorp Genetics (formerly Invitae), Labcorp
Classification: Benign for Tuberous sclerosis 1. Last evaluated: 2026-01-28. Review status: criteria provided, single submitter. Criteria: Invitae Variant Classification Sherloc (09022015). Collection method: clinical testing. Allele origin: germline.

Myriad Genetics, Inc.
Classification: Benign for Tuberous sclerosis 1. Last evaluated: 2025-04-07. Review status: criteria provided, single submitter. Criteria: Myriad Autosomal Dominant, Autosomal Recessive and X-Linked Classification Criteria (2023). Collection method: clinical testing. Allele origin: unknown.
Comment: This variant is considered benign. This variant is a silent/synonymous amino acid change and it is not expected to impact splicing.

KCCC/NGS Laboratory, Kuwait Cancer Control Center
Classification: Benign for Tuberous sclerosis 1. Last evaluated: 2025-02-01. Review status: criteria provided, single submitter. Criteria: ACMG Guidelines, 2015. Collection method: clinical testing. Allele origin: germline. Affected: no.

All of Us Research Program, National Institutes of Health
Classification: Benign for Tuberous sclerosis syndrome. Last evaluated: 2023-11-30. Review status: criteria provided, single submitter. Criteria: ACMG Guidelines, 2015. Collection method: clinical testing. Allele origin: germline. Inheritance: Autosomal dominant inheritance. Observed: 7 variant alleles, 7 heterozygotes.
Comment: This study involves interpretation of variants in research participants for the purpose of population health screening. Participant phenotype was not available at the time of variant classification. Additional details can be found in publication PMID: 35346344, PMCID: PMC8962531

Blueprint Genetics
Classification: Likely benign. Last evaluated: 2023-08-28. Review status: criteria provided, single submitter. Criteria: ACMG Guidelines, 2015. Collection method: clinical testing. Allele origin: germline.

Color Diagnostics, LLC DBA Color Health
Classification: Benign for Tuberous sclerosis syndrome. Last evaluated: 2022-05-16. Review status: criteria provided, single submitter. Criteria: ACMG Guidelines, 2015. Collection method: clinical testing. Allele origin: germline.

Genome-Nilou Lab
Classification: Benign for Tuberous sclerosis 1. Last evaluated: 2021-11-07. Review status: criteria provided, single submitter. Criteria: ACMG Guidelines, 2015. Collection method: clinical testing. Allele origin: germline. Affected: no.

Sema4
Classification: Benign for Hereditary cancer-predisposing syndrome. Last evaluated: 2021-07-29. Review status: criteria provided, single submitter. Criteria: Sema4 Curation Guidelines. Collection method: curation. Allele origin: germline.

Athena Diagnostics
Classification: Benign. Last evaluated: 2021-04-28. Review status: criteria provided, single submitter. Criteria: Athena Diagnostics criteria. Collection method: clinical testing. Allele origin: unknown.

GeneDx
Classification: Likely benign. Last evaluated: 2021-02-03. Review status: criteria provided, single submitter. Criteria: GeneDx Variant Classification Process June 2021. Collection method: clinical testing. Allele origin: germline. Affected: yes.
Comment: This variant is associated with the following publications: (PMID: 11774213)

Ambry Genetics
Classification: Likely benign for Hereditary cancer-predisposing syndrome. Last evaluated: 2015-07-07. Review status: criteria provided, single submitter. Criteria: Ambry Variant Classification Scheme 2023. Collection method: clinical testing. Allele origin: germline.

Tuberous sclerosis database (TSC1)
No classification provided. Condition: TSC. Review status: no classification provided. Criteria: Tuberous Sclerosis Database Assertion Criteria 2015. Collection method: curation. Allele origin: germline. Affected: yes. Not counted in ClinVar's aggregate classification.